The following is an entry in ClinVar:

ClinVar aggregate classification (germline): Uncertain significance (1 of 4 stars; one submission).

Submission:

Labcorp Genetics (formerly Invitae), Labcorp
Classification: Uncertain significance. Last evaluated: 2024-11-09. Review status: criteria provided, single submitter. Criteria: Invitae Variant Classification Sherloc (09022015). Collection method: clinical testing. Allele origin: germline.
Comment: This sequence change falls in intron 2 of the MICAL1 gene. It does not directly change the encoded amino acid sequence of the MICAL1 protein. This variant is not present in population databases (gnomAD no frequency). This variant has not been reported in the literature in individuals affected with MICAL1-related conditions. Algorithms developed to predict the effect of sequence changes on RNA splicing suggest that this variant may disrupt the consensus splice site. In summary, the available evidence is currently insufficient to determine the role of this variant in disease. Therefore, it has been classified as a Variant of Uncertain Significance.

NM_022765.4(MICAL1):c.259-9T>A

Gene: MICAL1 (microtubule associated monooxygenase, calponin and LIM domain containing 1; minus strand). Cytogenetic location: 6q21.
Variant type: single nucleotide variant.
Coding change: c.259-9T>A on transcript NM_022765.4 (MANE Select); 9 bases into the intron before coding-DNA position 259, T replaced by A.
Molecular consequence: intron variant.
Genome position (GRCh38, 1-based): chr6:109,453,854, A>T on the plus strand (T>A on the coding strand, the complement: MICAL1 is on the minus strand). VCF-style: chr6-109453854-A-T. GRCh37 (hg19) VCF-style: chr6-109775057-A-T.
Other names: c.316-9T>A (NM_001286613.2); c.259-9T>A (NM_001159291.2).
Identifiers: ClinVar variation 3662615 (VCV003662615.2).